The following is an entry in ClinVar:

NM_000535.7(PMS2):c.1254C>G (p.Ser418=)

Gene: PMS2 (PMS1 homolog 2, mismatch repair system component; minus strand). Cytogenetic location: 7p22.1.
Variant type: single nucleotide variant.
Coding change: c.1254C>G on transcript NM_000535.7 (MANE Select); coding-DNA position 1254, C replaced by G.
Protein change: p.Ser418=; no amino-acid change (serine 418 retained).
Molecular consequence: synonymous variant. On other transcripts: non-coding transcript variant (1).
Genome position (GRCh38, 1-based): chr7:5,987,511, G>C on the plus strand (C>G on the coding strand, the complement: PMS2 is on the minus strand). VCF-style: chr7-5987511-G-C. GRCh37 (hg19) VCF-style: chr7-6027142-G-C.
Other names: c.849C>G, p.Ser283= (NM_001322003.2, NM_001322004.2, NM_001322005.2 and 1 more transcripts); c.1098C>G, p.Ser366= (NM_001322006.2); c.936C>G, p.Ser312= (NM_001322007.2, NM_001322008.2); c.693C>G, p.Ser231= (NM_001322010.2); c.321C>G, p.Ser107= (NM_001322011.2, NM_001322012.2); c.681C>G, p.Ser227= (NM_001322013.2); c.1254C>G, p.Ser418= (NM_001322014.2); c.945C>G, p.Ser315= (NM_001322015.2).
Identifiers: ClinVar variation 1332594 (VCV001332594.11), dbSNP rs2128735114, ClinGen allele CA453748187.

ClinVar aggregate classification (germline): Benign/Likely benign. Review status: criteria provided, multiple submitters, no conflicts (2 of 4 stars). 3 submissions from 3 submitters: Benign (1); Likely benign (2). Last evaluated 2025-01-30.

Conditions:
Hereditary cancer-predisposing syndrome. Also called: Tumor predisposition; Hereditary Cancer Syndrome; Neoplastic Syndromes, Hereditary; Hereditary neoplastic syndrome. Identifiers: Orphanet 140162, MedGen C0027672, MeSH D009386, MONDO:0015356.
Hereditary nonpolyposis colorectal neoplasms. Identifiers: MedGen C0009405, MeSH D003123.
Lynch syndrome 4 (LYNCH4). Also called: Colorectal cancer, hereditary nonpolyposis, type 4; Hereditary non-polyposis colorectal cancer, type 4. Identifiers: Orphanet 144, MedGen C1838333, MONDO:0013699, OMIM 614337. Disease mechanism: loss of function.

Submissions (3):

Myriad Genetics, Inc.
Classification: Benign for Lynch syndrome 4. Last evaluated: 2025-01-30. Review status: criteria provided, single submitter. Criteria: Myriad Autosomal Dominant, Autosomal Recessive and X-Linked Classification Criteria (2023). Collection method: clinical testing. Allele origin: unknown.
Comment: This variant is considered benign. This variant is a silent/synonymous amino acid change and it is not expected to impact splicing.

Labcorp Genetics (formerly Invitae), Labcorp
Classification: Likely benign for Hereditary nonpolyposis colorectal neoplasms. Last evaluated: 2022-06-13. Review status: criteria provided, single submitter. Criteria: Invitae Variant Classification Sherloc (09022015). Collection method: clinical testing. Allele origin: germline.

Color Diagnostics, LLC DBA Color Health
Classification: Likely benign for Hereditary cancer-predisposing syndrome. Last evaluated: 2021-07-06. Review status: criteria provided, single submitter. Criteria: ACMG Guidelines, 2015. Collection method: clinical testing. Allele origin: germline.